The following is an entry in ClinVar:

ClinVar aggregate classification (germline): Uncertain significance. Review status: criteria provided, multiple submitters, no conflicts (2 of 4 stars). 2 submissions from 2 submitters: Uncertain significance (2). Last evaluated 2026-08-08.

Conditions:
Hereditary cancer-predisposing syndrome. Also called: Tumor predisposition; Hereditary neoplastic syndrome; Hereditary Cancer Syndrome; Neoplastic Syndromes, Hereditary. Identifiers: Orphanet 140162, MedGen C0027672, MeSH D009386, MONDO:0015356.
Cardiovascular phenotype. Identifiers: MedGen CN230736.

Submissions (2):

Ambry Genetics
Classification: Uncertain significance for Cardiovascular phenotype; Hereditary cancer-predisposing syndrome. Last evaluated: 2026-08-08. Review status: criteria provided, single submitter. Criteria: Ambry Variant Classification Scheme 2023. Collection method: clinical testing. Allele origin: germline.
Comment: The p.W265C variant (also known as c.795G>T), located in coding exon 9 of the LZTR1 gene, results from a G to T substitution at nucleotide position 795. The tryptophan at codon 265 is replaced by cysteine, an amino acid with highly dissimilar properties. This amino acid position is conserved. In addition, this alteration is predicted to be deleterious by in silico analysis. Based on the available evidence, the clinical significance of this variant remains unclear.

Labcorp Genetics (formerly Invitae), Labcorp
Classification: Uncertain significance. Last evaluated: 2024-04-17. Review status: criteria provided, single submitter. Criteria: Invitae Variant Classification Sherloc (09022015). Collection method: clinical testing. Allele origin: germline.
Comment: This sequence change replaces tryptophan, which is neutral and slightly polar, with cysteine, which is neutral and slightly polar, at codon 265 of the LZTR1 protein (p.Trp265Cys). This variant is not present in population databases (gnomAD no frequency). This variant has not been reported in the literature in individuals affected with LZTR1-related conditions. Advanced modeling of protein sequence and biophysical properties (such as structural, functional, and spatial information, amino acid conservation, physicochemical variation, residue mobility, and thermodynamic stability) performed at Invitae indicates that this missense variant is not expected to disrupt LZTR1 protein function with a negative predictive value of 80%. In summary, the available evidence is currently insufficient to determine the role of this variant in disease. Therefore, it has been classified as a Variant of Uncertain Significance.

NM_006767.4(LZTR1):c.795G>T (p.Trp265Cys)

Gene: LZTR1 (leucine zipper like post translational regulator 1; plus strand). Cytogenetic location: 22q11.21.
Variant type: single nucleotide variant.
Coding change: c.795G>T on transcript NM_006767.4 (MANE Select); coding-DNA position 795, G replaced by T.
Protein change: p.Trp265Cys; replaces tryptophan 265 with cysteine.
Molecular consequence: missense variant.
Genome position (GRCh38, 1-based): chr22:20,991,631, G>T. VCF-style: chr22-20991631-G-T. GRCh37 (hg19) VCF-style: chr22-21345920-G-T.
Other names: c.795G>T (NM_006767.3); short protein forms W265C.
Identifiers: ClinVar variation 3650201 (VCV003650201.3).